The following is an entry in ClinVar:

NM_002109.6(HARS1):c.800T>C (p.Ile267Thr)

Gene: HARS1 (histidyl-tRNA synthetase 1; minus strand). Cytogenetic location: 5q31.3.
Variant type: single nucleotide variant.
Coding change: c.800T>C on transcript NM_002109.6 (MANE Select); coding-DNA position 800, T replaced by C.
Protein change: p.Ile267Thr; replaces isoleucine 267 with threonine.
Molecular consequence: missense variant.
Genome position (GRCh38, 1-based): chr5:140,677,350, A>G on the plus strand (T>C on the coding strand, the complement: HARS1 is on the minus strand). VCF-style: chr5-140677350-A-G. GRCh37 (hg19) VCF-style: chr5-140056935-A-G.
Other names: p.Ile267Thr; c.800T>C (NM_002109.5); c.680T>C, p.Ile227Thr (NM_001258040.3); c.740T>C, p.Ile247Thr (NM_001258041.3); c.620T>C, p.Ile207Thr (NM_001258042.3); c.578T>C, p.Ile193Thr (NM_001289092.2); c.458T>C, p.Ile153Thr (NM_001289093.2); c.713T>C, p.Ile238Thr (NM_001289094.2); short protein forms I267T, I238T, I247T, I153T, I207T, I193T, I227T.
Identifiers: ClinVar variation 1680322 (VCV001680322.12), dbSNP rs766324898, ClinGen allele CA3443989.
Genomic context (GRCh38, chr5:140,677,350, plus strand): 5'-GGGACGGCTGCTGGGGAGGCTTGGTTCTGTTCCTCACCATGTTGCTGGACATAGTCCCCA[A>G]TGCGGTCAGCCACCTCAGGTGCAAGGCCCTTCTCTCCCACCATCTCATTCTTCACCTCTT-3'
Protein context (NP_002100.2, residues 257-277): KGLAPEVADR[Ile267Thr]GDYVQQHGGV

ClinVar aggregate classification (germline): Uncertain significance. Review status: criteria provided, multiple submitters, no conflicts (2 of 4 stars). 4 submissions from 4 submitters: Uncertain significance (4). Last evaluated 2025-09-27.

Conditions:
Usher syndrome type 3B. Also called: USHER SYNDROME, TYPE IIIB. Identifiers: MedGen C3281066, MONDO:0013788, OMIM 614504.

Allele frequency attached by ClinVar (database versions not stated): TOPMed 0.00002; gnomAD exomes 0.00003; gnomAD 0.00004; ExAC 0.00005.
gnomAD v4.1: 53 of 1,613,238 alleles (0.0033%); highest among the groups gnomAD compares: South Asian, 0.0044%; no homozygotes.

Submissions (4):

Labcorp Genetics (formerly Invitae), Labcorp
Classification: Uncertain significance for Usher syndrome type 3B. Last evaluated: 2025-09-27. Review status: criteria provided, single submitter. Criteria: Invitae Variant Classification Sherloc (09022015). Collection method: clinical testing. Allele origin: germline.
Comment: This sequence change replaces isoleucine, which is neutral and non-polar, with threonine, which is neutral and polar, at codon 267 of the HARS protein (p.Ile267Thr). This variant is present in population databases (rs766324898, gnomAD 0.008%). This missense change has been observed in individual(s) with Charcot-Marie-Tooth disease (internal data). ClinVar contains an entry for this variant (Variation ID: 1680322). Invitae Evidence Modeling of protein sequence and biophysical properties (such as structural, functional, and spatial information, amino acid conservation, physicochemical variation, residue mobility, and thermodynamic stability) has been performed for this missense variant. However, the output from this modeling did not meet the statistical confidence thresholds required to predict the impact of this variant on HARS protein function. In summary, the available evidence is currently insufficient to determine the role of this variant in disease. Therefore, it has been classified as a Variant of Uncertain Significance.

Blueprint Genetics
Classification: Uncertain significance. Last evaluated: 2022-11-18. Review status: criteria provided, single submitter. Criteria: ACMG Guidelines, 2015. Collection method: clinical testing. Allele origin: germline.

Mayo Clinic Laboratories, Mayo Clinic
Classification: Uncertain significance. Last evaluated: 2021-06-25. Review status: criteria provided, single submitter. Criteria: ACMG Guidelines, 2015. Collection method: clinical testing. Allele origin: germline.

Ambry Genetics
Classification: Uncertain significance. Last evaluated: 2019-11-28. Review status: criteria provided, single submitter. Criteria: Ambry Variant Classification Scheme 2023. Collection method: clinical testing. Allele origin: germline.
Comment: The p.I267T variant (also known as c.800T>C), located in coding exon 8 of the HARS gene, results from a T to C substitution at nucleotide position 800. The isoleucine at codon 267 is replaced by threonine, an amino acid with similar properties. This amino acid position is highly conserved in available vertebrate species. In addition, this alteration is predicted to be deleterious by in silico analysis. Since supporting evidence is limited at this time, the clinical significance of this alteration remains unclear.